The following is an entry in ClinVar:

ClinVar aggregate classification (germline): risk factor (0 of 4 stars; one submission).

Conditions:
Asthma. Identifiers: MedGen C0004096, MONDO:0004979, HP:0002099.

Submission:

Department of Biology, College of Science, Baghdad University
Classification: risk factor for Asthma. Last evaluated: 2019-06-20. Review status: no assertion criteria provided. Collection method: case-control. Allele origin: somatic. Affected: yes. Observed: 17 variant alleles.
Comment: The NC_000006.12:g.35639490 T>G variant in FKBP5 gene increase the asthma risk factor in 17 Iraqi asthmatic patients.

NM_004117.4(FKBP5):c.106-2332A>C

Gene: FKBP5 (FKBP prolyl isomerase 5; minus strand). Cytogenetic location: 6p21.31.
Variant type: single nucleotide variant.
Coding change: c.106-2332A>C on transcript NM_004117.4 (MANE Select); 2332 bases into the intron before coding-DNA position 106, A replaced by C.
Molecular consequence: intron variant.
Genome position (GRCh38, 1-based): chr6:35,639,490, T>G on the plus strand (A>C on the coding strand, the complement: FKBP5 is on the minus strand). VCF-style: chr6-35639490-T-G. GRCh37 (hg19) VCF-style: chr6-35607267-T-G.
Other names: c.106-2332A>C (NM_001145775.3, NM_001145776.2, NM_001145777.2).
Identifiers: ClinVar variation 638564 (VCV000638564.3), dbSNP rs1581842283, ClinGen allele CA915944243.